The following is an entry in ClinVar:

ClinVar aggregate classification (germline): Likely benign. Review status: criteria provided, multiple submitters, no conflicts (2 of 4 stars). 2 submissions from 2 submitters: Likely benign (2). Last evaluated 2025-07-21.

Allele frequency attached by ClinVar (database versions not stated): gnomAD 0.00001; gnomAD exomes 0.00001; ExAC 0.00002; TOPMed 0.00002.
gnomAD v4.1: 16 of 1,614,070 alleles (0.00099%); highest among the groups gnomAD compares: South Asian, 0.0033%; no homozygotes.

Submissions (2):

Labcorp Genetics (formerly Invitae), Labcorp
Classification: Likely benign. Last evaluated: 2025-07-21. Review status: criteria provided, single submitter. Criteria: Invitae Variant Classification Sherloc (09022015). Collection method: clinical testing. Allele origin: germline.

CeGaT Center for Human Genetics Tuebingen
Classification: Likely benign. Last evaluated: 2025-02-01. Review status: criteria provided, single submitter. Criteria: CeGaT Center For Human Genetics Tuebingen Variant Classification Criteria Version 2. Collection method: clinical testing. Allele origin: germline. Affected: yes. Observed: 2 variant alleles.
Comment: SETBP1: BP4

NM_015559.3(SETBP1):c.3715G>A (p.Ala1239Thr)

Gene: SETBP1 (SET binding protein 1; plus strand). Cytogenetic location: 18q12.3.
Variant type: single nucleotide variant.
Coding change: c.3715G>A on transcript NM_015559.3 (MANE Select); coding-DNA position 3715, G replaced by A.
Protein change: p.Ala1239Thr; replaces alanine 1239 with threonine.
Molecular consequence: missense variant.
Genome position (GRCh38, 1-based): chr18:44,953,055, G>A. VCF-style: chr18-44953055-G-A. GRCh37 (hg19) VCF-style: chr18-42533020-G-A.
Other names: c.3715G>A, p.Ala1239Thr (NM_001379141.1, NM_001379142.1, NM_001410862.1); short protein forms A1239T.
Identifiers: ClinVar variation 2144090 (VCV002144090.28), dbSNP rs767991773, ClinGen allele CA8945968.